The following is an entry in ClinVar:

NM_001384474.1(LOXHD1):c.3366C>A (p.Cys1122Ter)

Gene: LOXHD1 (lipoxygenase homology PLAT domains 1; minus strand). Cytogenetic location: 18q21.1.
Variant type: single nucleotide variant.
Coding change: c.3366C>A on transcript NM_001384474.1 (MANE Select); coding-DNA position 3366, C replaced by A.
Protein change: p.Cys1122Ter; replaces cysteine 1122 with a stop codon.
Molecular consequence: nonsense. On other transcripts: 5 prime UTR variant (1).
Genome position (GRCh38, 1-based): chr18:46,547,043, G>T on the plus strand (C>A on the coding strand, the complement: LOXHD1 is on the minus strand). VCF-style: chr18-46547043-G-T. GRCh37 (hg19) VCF-style: chr18-44127006-G-T.
Other names: c.33C>A, p.Cys11Ter (NM_001145472.3); c.-256C>A (NM_001308013.2); c.3366C>A, p.Cys1122Ter (NM_144612.7); short protein forms C11*, C1122*.
Identifiers: ClinVar variation 5010580 (VCV005010580.1).

ClinVar aggregate classification (germline): Pathogenic (1 of 4 stars; one submission).

Conditions:
Autosomal recessive nonsyndromic hearing loss 77. Identifiers: Orphanet 90636, MedGen C2746083, MONDO:0013119, OMIM 613079.

Submission:

Myriad Genetics, Inc.
Classification: Pathogenic for Autosomal recessive nonsyndromic hearing loss 77. Last evaluated: 2024-05-14. Review status: criteria provided, single submitter. Criteria: Myriad Autosomal Dominant, Autosomal Recessive and X-Linked Classification Criteria (2023). Collection method: clinical testing. Allele origin: unknown.
Comment: NM_144612.6(LOXHD1):c.3366C>A(C1122*) is expected to be pathogenic in the context of nonsyndromic hearing loss, LOXHD1-related. This variant is predicted to lead to an abnormal or absent protein product due to the creation of a premature termination codon in LOXHD1, a gene where loss-of-function variants are known to be pathogenic. Please note: this variant was assessed in the context of healthy population screening.